The following is an entry in ClinVar:

ClinVar aggregate classification (germline): Likely pathogenic (1 of 4 stars; one submission).

Submission:

GeneDx
Classification: Likely pathogenic. Last evaluated: 2018-12-14. Review status: criteria provided, single submitter. Criteria: GeneDx Variant Classification (06012015). Collection method: clinical testing. Allele origin: germline. Affected: yes.
Comment: This variant is predicted to cause loss of normal protein function through protein truncation of the last 86 amino acids. The R2407X variant is not observed in large population cohorts (Lek et al., 2016). We interpret R2407X as a likely pathogenic variant

NM_000489.6(ATRX):c.7219C>T (p.Arg2407Ter)

Gene: ATRX (ATRX chromatin remodeler; minus strand). Cytogenetic location: Xq21.1.
Variant type: single nucleotide variant.
Coding change: c.7219C>T on transcript NM_000489.6 (MANE Select); coding-DNA position 7219, C replaced by T.
Protein change: p.Arg2407Ter; replaces arginine 2407 with a stop codon.
Molecular consequence: nonsense.
Genome position (GRCh38, 1-based): chrX:77,508,611, G>A on the plus strand (C>T on the coding strand, the complement: ATRX is on the minus strand). VCF-style: chrX-77508611-G-A. GRCh37 (hg19) VCF-style: chrX-76764089-G-A.
Other names: c.7105C>T, p.Arg2369Ter (NM_138270.5); short protein forms R2407*, R2369*.
Identifiers: ClinVar variation 489290 (VCV000489290.2), dbSNP rs1557034957, ClinGen allele CA413705256.